The following is an entry in ClinVar:

NM_000540.3(RYR1):c.5198A>C (p.Tyr1733Ser)

Gene: RYR1 (ryanodine receptor 1; plus strand). Cytogenetic location: 19q13.2.
Variant type: single nucleotide variant.
Coding change: c.5198A>C on transcript NM_000540.3 (MANE Select); coding-DNA position 5198, A replaced by C.
Protein change: p.Tyr1733Ser; replaces tyrosine 1733 with serine.
Molecular consequence: missense variant.
Genome position (GRCh38, 1-based): chr19:38,485,853, A>C. VCF-style: chr19-38485853-A-C. GRCh37 (hg19) VCF-style: chr19-38976493-A-C.
Other names: c.5198A>C, p.Tyr1733Ser (NM_001042723.2); short protein forms Y1733S.
Identifiers: ClinVar variation 544431 (VCV000544431.8), dbSNP rs548973328, ClinGen allele CA066760.
Genomic context (GRCh38, chr19:38,485,853, plus strand): 5'-TCCTCATCAGCATCCACCTCGAAAGTGCCTGCCGCAGCCGCCGCTCCATGCTCTCTGAAT[A>C]CATCGTGCCCCTCACGCCTGAGACCCGCGCCATCACGCTCTTCCCTCCTGGAAGGAGCAC-3'
Protein context (NP_000531.2, residues 1723-1743): CRSRRSMLSE[Tyr1733Ser]IVPLTPETRA

ClinVar aggregate classification (germline): Uncertain significance. Review status: criteria provided, multiple submitters, no conflicts (2 of 4 stars). 3 submissions from 3 submitters: Uncertain significance (3). Last evaluated 2025-08-19.

Conditions:
Inborn genetic diseases. Identifiers: MedGen C0950123, MeSH D030342.
RYR1-related disorder. Also called: RYR1-related condition; RYR1-related disorders. Identifiers: MedGen CN239331.
Malignant hyperthermia, susceptibility to, 1 (MHS1). Also called: RYR1-Related Malignant Hyperthermia Susceptibility; Anesthesia related hyperthermia; Malignant hyperpyrexia; Fulminating hyperpyrexia; Pharmacogenic myopathy; Malignant hyperthermia suceptibility 1. Identifiers: Orphanet 423, MedGen C2930980, MONDO:0007783, OMIM 145600.

Allele frequency attached by ClinVar (database versions not stated): TOPMed below 0.00001; gnomAD 0.00001 and 0.00002; gnomAD exomes 0.00001; ExAC 0.00002; 1000 Genomes Project 0.00040; 1000 Genomes Project 30x 0.00047.
gnomAD v4.1: 12 of 1,613,734 alleles (0.00074%); highest among the groups gnomAD compares: Admixed American, 0.02%; 1 homozygote.

Submissions (3):

Ambry Genetics
Classification: Uncertain significance for Inborn genetic diseases. Last evaluated: 2025-08-19. Review status: criteria provided, single submitter. Criteria: Ambry Variant Classification Scheme 2023. Collection method: clinical testing. Allele origin: germline.

Color Diagnostics, LLC DBA Color Health
Classification: Uncertain significance for Malignant hyperthermia, susceptibility to, 1. Last evaluated: 2025-07-25. Review status: criteria provided, single submitter. Criteria: ACMG Guidelines, 2015. Collection method: clinical testing. Allele origin: germline.
Comment: This missense variant replaces tyrosine with serine at codon 1733 of the RYR1 protein. Computational prediction is inconclusive regarding the impact of this variant on protein structure and function. To our knowledge, functional studies have not been reported for this variant. This variant has not been reported in individuals affected with RYR1-related disorders in the literature. This variant has been identified in 2/245862 chromosomes in the general population by the Genome Aggregation Database (gnomAD). The available evidence is insufficient to determine the role of this variant in disease conclusively. Therefore, this variant is classified as a Variant of Uncertain Significance.

Labcorp Genetics (formerly Invitae), Labcorp
Classification: Uncertain significance for RYR1-related disorder. Last evaluated: 2022-10-03. Review status: criteria provided, single submitter. Criteria: Invitae Variant Classification Sherloc (09022015). Collection method: clinical testing. Allele origin: germline.
Comment: This sequence change replaces tyrosine, which is neutral and polar, with serine, which is neutral and polar, at codon 1733 of the RYR1 protein (p.Tyr1733Ser). This variant is present in population databases (rs548973328, gnomAD 0.006%). This missense change has been observed in individual(s) with central core disease (Invitae). ClinVar contains an entry for this variant (Variation ID: 544431). Advanced modeling of protein sequence and biophysical properties (such as structural, functional, and spatial information, amino acid conservation, physicochemical variation, residue mobility, and thermodynamic stability) has been performed at Invitae for this missense variant, however the output from this modeling did not meet the statistical confidence thresholds required to predict the impact of this variant on RYR1 protein function. In summary, the available evidence is currently insufficient to determine the role of this variant in disease. Therefore, it has been classified as a Variant of Uncertain Significance.